The following is an entry in ClinVar:

NC_000015.9:g.(?_40698010)_(40710472_?)del

Gene: IVD (isovaleryl-CoA dehydrogenase; plus strand). Cytogenetic location: 15q15.1.
Variant type: Deletion.
Identifiers: ClinVar variation 2424376 (VCV002424376.4).

ClinVar aggregate classification (germline): Pathogenic (1 of 4 stars; one submission).

Conditions:
Isovaleryl-CoA dehydrogenase deficiency (IVA). Also called: ISOVALERIC ACID CoA DEHYDROGENASE DEFICIENCY; Isovaleric acidemia; IVD DEFICIENCY; Classic Isovaleric Acidemia. Identifiers: Orphanet 33, MedGen C0268575, MONDO:0009475, OMIM 243500.

Submission:

Labcorp Genetics (formerly Invitae), Labcorp
Classification: Pathogenic for Isovaleryl-CoA dehydrogenase deficiency. Last evaluated: 2021-11-17. Review status: criteria provided, single submitter. Criteria: Invitae Variant Classification Sherloc (09022015). Collection method: clinical testing. Allele origin: germline.
Comment: For these reasons, this variant has been classified as Pathogenic. This variant has not been reported in the literature in individuals affected with IVD-related conditions. A gross deletion of the genomic region encompassing the full coding sequence of the IVD gene has been identified. Loss-of-function variants in IVD are known to be pathogenic (PMID: 16602101). The boundaries of this event are unknown as they extend beyond the assayed region for this gene and therefore may encompass additional genes.

Literature cited by the submitters: PubMed 16602101.